The following is an entry in ClinVar:

ClinVar aggregate classification (germline): Likely pathogenic (1 of 4 stars; one submission).

Conditions:
Spongy degeneration of central nervous system. Also called: ACY2 DEFICIENCY; AMINOACYLASE 2 DEFICIENCY; ASP DEFICIENCY; ASPA DEFICIENCY; ASPARTOACYLASE DEFICIENCY; CANAVAN-VAN BOGAERT-BERTRAND DISEASE. Identifiers: Orphanet 141, MedGen C0206307, MONDO:0010079, OMIM 271900.

Submission:

Labcorp Genetics (formerly Invitae), Labcorp
Classification: Likely pathogenic for Spongy degeneration of central nervous system. Last evaluated: 2020-12-28. Review status: criteria provided, single submitter. Criteria: Invitae Variant Classification Sherloc (09022015). Collection method: clinical testing. Allele origin: germline.
Comment: In summary, the currently available evidence indicates that the variant is pathogenic, but additional data are needed to prove that conclusively. Therefore, this variant has been classified as Likely Pathogenic. This variant disrupts the p.Ala57 amino acid residue in ASPA. Other variant(s) that disrupt this residue have been determined to be pathogenic (PMID: 28101991). This suggests that this residue is clinically significant, and that variants that disrupt this residue are likely to be disease-causing. Advanced modeling of protein sequence and biophysical properties (such as structural, functional, and spatial information, amino acid conservation, physicochemical variation, residue mobility, and thermodynamic stability) performed at Invitae indicates that this missense variant is expected to disrupt ASPA protein function. This variant is not present in population databases (ExAC no frequency). This sequence change replaces alanine with serine at codon 57 of the ASPA protein (p.Ala57Ser). The alanine residue is highly conserved and there is a moderate physicochemical difference between alanine and serine. This variant has not been reported in the literature in individuals with ASPA-related conditions.

Literature cited by the submitters: PubMed 28101991.

NM_000049.4(ASPA):c.169G>T (p.Ala57Ser)

Genes: ASPA (aspartoacylase; plus strand), SPATA22 (spermatogenesis associated 22; minus strand). Cytogenetic location: 17p13.2.
Variant type: single nucleotide variant.
Coding change: c.169G>T on transcript NM_000049.4 (MANE Select); coding-DNA position 169, G replaced by T.
Protein change: p.Ala57Ser; replaces alanine 57 with serine.
Molecular consequence: missense variant. On other transcripts: intron variant (2).
Genome position (GRCh38, 1-based): chr17:3,476,328, G>T. VCF-style: chr17-3476328-G-T. GRCh37 (hg19) VCF-style: chr17-3379622-G-T.
Other names: c.169G>T, p.Ala57Ser (NM_001128085.1); c.-73-6930C>A (NM_001321336.2, NM_001321337.2); short protein forms A57S.
Identifiers: ClinVar variation 1476842 (VCV001476842.8), dbSNP rs2150741844, ClinGen allele CA397681363.
Genomic context (GRCh38, chr17:3,476,328, plus strand): 5'-AATGGCGCTGAGATTCAGAGAACAGGGCTGGAGGTAAAACCATTTATTACTAACCCCAGA[G>T]CAGTGAAGAAGTGTACCAGATATATTGACTGTGACCTGAATCGCATTTTTGACCTTGAAA-3'
Protein context (NP_000040.1, residues 47-67): EVKPFITNPR[Ala57Ser]VKKCTRYIDC